The following is an entry in ClinVar:

NM_001127198.5(TMC6):c.1228-8G>A

Gene: TMC6 (transmembrane channel like 6; minus strand). Cytogenetic location: 17q25.3.
Variant type: single nucleotide variant.
Coding change: c.1228-8G>A on transcript NM_001127198.5 (MANE Select); 8 bases into the intron before coding-DNA position 1228, G replaced by A.
Molecular consequence: intron variant.
Genome position (GRCh38, 1-based): chr17:78,121,719, C>T on the plus strand (G>A on the coding strand, the complement: TMC6 is on the minus strand). VCF-style: chr17-78121719-C-T. GRCh37 (hg19) VCF-style: chr17-76117800-C-T.
Other names: c.1228-8G>A (NM_001374594.1, NM_001374596.1, NM_001374593.1 and 4 more transcripts).
Identifiers: ClinVar variation 456005 (VCV000456005.16), dbSNP rs150703149, ClinGen allele CA8795806.

ClinVar aggregate classification (germline): Benign. Review status: criteria provided, multiple submitters, no conflicts (2 of 4 stars). 3 submissions from 3 submitters: Benign (3). Last evaluated 2026-06-01.

Conditions:
Epidermodysplasia verruciformis. Identifiers: Orphanet 302, MedGen C0014522, MONDO:0009176.

Allele frequency attached by ClinVar (database versions not stated): 1000 Genomes Project 0.00679; 1000 Genomes Project 30x 0.00718; gnomAD exomes 0.00753; TOPMed 0.00878; ESP Exome Variant Server 0.00948; gnomAD 0.00966 and 0.00990; ExAC 0.01266.
gnomAD v4.1: 13,827 of 1,574,284 alleles (0.88%); highest among the groups gnomAD compares: African/African-American, 1.2%; 68 homozygotes.

Submissions (3):

CeGaT Center for Human Genetics Tuebingen
Classification: Benign. Last evaluated: 2026-06-01. Review status: criteria provided, single submitter. Criteria: CeGaT Center For Human Genetics Tuebingen Variant Classification Criteria Version 2. Collection method: clinical testing. Allele origin: germline. Affected: yes. Observed: 2 variant alleles.
Comment: TMC6: BP4, BS1, BS2

Labcorp Genetics (formerly Invitae), Labcorp
Classification: Benign for Epidermodysplasia verruciformis. Last evaluated: 2026-01-28. Review status: criteria provided, single submitter. Criteria: Invitae Variant Classification Sherloc (09022015). Collection method: clinical testing. Allele origin: germline.

Breakthrough Genomics
Classification: Benign. Review status: criteria provided, single submitter. Criteria: ACMG Guidelines, 2015. Collection method: not provided. Allele origin: germline. Inheritance: Autosomal recessive inheritance. Affected: yes.